The following is an entry in ClinVar:

NM_001170629.2(CHD8):c.2227-1G>C

Gene: CHD8 (chromodomain helicase DNA binding protein 8; minus strand). Cytogenetic location: 14q11.2.
Variant type: single nucleotide variant.
Coding change: c.2227-1G>C on transcript NM_001170629.2 (MANE Select); the canonical splice acceptor site of the intron before coding-DNA position 2227, G replaced by C.
Molecular consequence: splice acceptor variant.
Genome position (GRCh38, 1-based): chr14:21,409,989, C>G on the plus strand (G>C on the coding strand, the complement: CHD8 is on the minus strand). VCF-style: chr14-21409989-C-G. GRCh37 (hg19) VCF-style: chr14-21878148-C-G.
Other names: c.1390-1G>C (NM_020920.4).
Identifiers: ClinVar variation 2755392 (VCV002755392.3), dbSNP rs2501930345, ClinGen allele CA388876839.

ClinVar aggregate classification (germline): Likely pathogenic (1 of 4 stars; one submission).

Submission:

Labcorp Genetics (formerly Invitae), Labcorp
Classification: Likely pathogenic. Last evaluated: 2023-08-27. Review status: criteria provided, single submitter. Criteria: Invitae Variant Classification Sherloc (09022015). Collection method: clinical testing. Allele origin: germline.
Comment: This sequence change affects an acceptor splice site in intron 9 of the CHD8 gene. It is expected to disrupt RNA splicing. Variants that disrupt the donor or acceptor splice site typically lead to a loss of protein function (PMID: 16199547), and loss-of-function variants in CHD8 are known to be pathogenic (PMID: 24998929, 26789910). This variant is not present in population databases (gnomAD no frequency). This variant has not been reported in the literature in individuals affected with CHD8-related conditions. Algorithms developed to predict the effect of sequence changes on RNA splicing suggest that this variant may disrupt the consensus splice site. In summary, the currently available evidence indicates that the variant is pathogenic, but additional data are needed to prove that conclusively. Therefore, this variant has been classified as Likely Pathogenic.

Literature cited by the submitters: PubMed 16199547; PubMed 24998929; PubMed 26789910.